The following is an entry in ClinVar:

NM_001018115.3(FANCD2):c.2689C>G (p.Pro897Ala)

Genes: FANCD2 (FA complementation group D2; plus strand), LOC107303338 (3p25 FANCD2 Alu-mediated recombination region; plus strand). Cytogenetic location: 3p25.3.
Variant type: single nucleotide variant.
Coding change: c.2689C>G on transcript NM_001018115.3 (MANE Select); coding-DNA position 2689, C replaced by G.
Protein change: p.Pro897Ala; replaces proline 897 with alanine.
Molecular consequence: missense variant.
Genome position (GRCh38, 1-based): chr3:10,073,336, C>G. VCF-style: chr3-10073336-C-G. GRCh37 (hg19) VCF-style: chr3-10115020-C-G.
Other names: c.2689C>G, p.Pro897Ala (NM_001319984.2, NM_001374254.1, NM_033084.6); c.2578C>G, p.Pro860Ala (NM_001374253.1); short protein forms P897A, P860A.
Identifiers: ClinVar variation 3703733 (VCV003703733.2).

ClinVar aggregate classification (germline): Uncertain significance (1 of 4 stars; one submission).

Conditions:
Fanconi anemia (FA). Also called: Fanconi's anemia. Identifiers: Orphanet 84, MedGen C0015625, MeSH D005199, MONDO:0019391.

gnomAD v4.1: 2 of 1,613,100 alleles (0.00012%); highest among the groups gnomAD compares: Non-Finnish European, 0.00017%; no homozygotes.

Submission:

Labcorp Genetics (formerly Invitae), Labcorp
Classification: Uncertain significance for Fanconi anemia. Last evaluated: 2024-08-11. Review status: criteria provided, single submitter. Criteria: Invitae Variant Classification Sherloc (09022015). Collection method: clinical testing. Allele origin: germline.
Comment: This sequence change replaces proline, which is neutral and non-polar, with alanine, which is neutral and non-polar, at codon 897 of the FANCD2 protein (p.Pro897Ala). This variant is not present in population databases (gnomAD no frequency). This variant has not been reported in the literature in individuals affected with FANCD2-related conditions. Advanced modeling of protein sequence and biophysical properties (such as structural, functional, and spatial information, amino acid conservation, physicochemical variation, residue mobility, and thermodynamic stability) performed at Invitae indicates that this missense variant is not expected to disrupt FANCD2 protein function with a negative predictive value of 80%. In summary, the available evidence is currently insufficient to determine the role of this variant in disease. Therefore, it has been classified as a Variant of Uncertain Significance.